The following is an entry in ClinVar:

NM_007055.4(POLR3A):c.163G>A (p.Val55Met)

Gene: POLR3A (RNA polymerase III subunit A; minus strand). Cytogenetic location: 10q22.3.
Variant type: single nucleotide variant.
Coding change: c.163G>A on transcript NM_007055.4 (MANE Select); coding-DNA position 163, G replaced by A.
Protein change: p.Val55Met; replaces valine 55 with methionine.
Molecular consequence: missense variant.
Genome position (GRCh38, 1-based): chr10:78,026,111, C>T on the plus strand (G>A on the coding strand, the complement: POLR3A is on the minus strand). VCF-style: chr10-78026111-C-T. GRCh37 (hg19) VCF-style: chr10-79785869-C-T.
Other names: short protein forms V55M.
Identifiers: ClinVar variation 301084 (VCV000301084.9), dbSNP rs886047293, ClinGen allele CA10636084.

ClinVar aggregate classification (germline): Uncertain significance. Review status: criteria provided, multiple submitters, no conflicts (2 of 4 stars). 2 submissions from 2 submitters: Uncertain significance (2). Last evaluated 2022-09-13.

Conditions:
Leukodystrophy, hypomyelinating, 7, with or without oligodontia and/or hypogonadotropic hypogonadism (HLD7). Also called: LEUKOENCEPHALOPATHY, HYPOMYELINATING, WITH ATAXIA AND DELAYED DENTITION; ATAXIA, DELAYED DENTITION, AND HYPOMYELINATION; LEUKODYSTROPHY, HYPOMYELINATING, 7, WITH OLIGODONTIA; LEUKODYSTROPHY, HYPOMYELINATING, 7, WITH OLIGODONTIA AND HYPOGONADOTROPIC HYPOGONADISM; LEUKODYSTROPHY, HYPOMYELINATING, 7, WITHOUT OLIGODONTIA OR HYPOGONADOTROPIC HYPOGONADISM; Ataxia, Delayed Dentition and Hypomyelination (ADDH). Identifiers: Orphanet 137639, Orphanet 447893, Orphanet 447896, Orphanet 77295, Orphanet 88637, MedGen CN034185, MONDO:0011897, OMIM 607694.

Allele frequency attached by ClinVar (database versions not stated): gnomAD exomes below 0.00001.
gnomAD v4.1: 2 of 1,614,164 alleles (0.00012%); highest among the groups gnomAD compares: Non-Finnish European, 0.00017%; no homozygotes.

Submissions (2):

Labcorp Genetics (formerly Invitae), Labcorp
Classification: Uncertain significance. Last evaluated: 2022-09-13. Review status: criteria provided, single submitter. Criteria: Invitae Variant Classification Sherloc (09022015). Collection method: clinical testing. Allele origin: germline.
Comment: This variant is not present in population databases (gnomAD no frequency). This sequence change replaces valine, which is neutral and non-polar, with methionine, which is neutral and non-polar, at codon 55 of the POLR3A protein (p.Val55Met). This variant has not been reported in the literature in individuals affected with POLR3A-related conditions. ClinVar contains an entry for this variant (Variation ID: 301084). Advanced modeling of protein sequence and biophysical properties (such as structural, functional, and spatial information, amino acid conservation, physicochemical variation, residue mobility, and thermodynamic stability) performed at Invitae indicates that this missense variant is not expected to disrupt POLR3A protein function. Algorithms developed to predict the effect of sequence changes on RNA splicing suggest that this variant may disrupt the consensus splice site. In summary, the available evidence is currently insufficient to determine the role of this variant in disease. Therefore, it has been classified as a Variant of Uncertain Significance.

Illumina Laboratory Services, Illumina
Classification: Uncertain significance for Leukodystrophy, hypomyelinating, 7, with or without oligodontia and/or hypogonadotropic hypogonadism. Last evaluated: 2018-01-13. Review status: criteria provided, single submitter. Criteria: ICSL Variant Classification Criteria 13 December 2019. Collection method: clinical testing. Allele origin: germline.